The following is an entry in ClinVar:

NM_000168.6(GLI3):c.1029-7C>T

Gene: GLI3 (GLI family zinc finger 3; minus strand). Cytogenetic location: 7p14.1.
Variant type: single nucleotide variant.
Coding change: c.1029-7C>T on transcript NM_000168.6 (MANE Select); 7 bases into the intron before coding-DNA position 1029, C replaced by T.
Molecular consequence: intron variant.
Genome position (GRCh38, 1-based): chr7:42,026,419, G>A on the plus strand (C>T on the coding strand, the complement: GLI3 is on the minus strand). VCF-style: chr7-42026419-G-A. GRCh37 (hg19) VCF-style: chr7-42066018-G-A.
Other names: p.?.
Identifiers: ClinVar variation 255416 (VCV000255416.16), dbSNP rs78280303, ClinGen allele CA4230968.

ClinVar aggregate classification (germline): Benign/Likely benign. Review status: criteria provided, multiple submitters, no conflicts (2 of 4 stars). 6 submissions from 6 submitters: Benign (5); Likely benign (1). Last evaluated 2026-01-27.

Conditions:
Greig cephalopolysyndactyly syndrome (GCPS). Also called: GLI3-Related Greig Cephalopolysyndactyly Syndrome; POLYSYNDACTYLY WITH PECULIAR SKULL SHAPE; Greig syndrome. Identifiers: Orphanet 380, MedGen C0265306, MONDO:0008287, OMIM 175700.
Polydactyly, postaxial, type A1. Identifiers: MedGen C4282400, MONDO:0008266, OMIM 174200.
Polysyndactyly 4. Also called: Polysyndactyly uncomplicated; Preaxial polydactyly 4. Identifiers: Orphanet 93338, MedGen C1868111, MONDO:0008272, OMIM 174700.
Pallister-Hall syndrome (PHS). Also called: HYPOTHALAMIC HAMARTOBLASTOMA, HYPOPITUITARISM, IMPERFORATE ANUS, AND POSTAXIAL POLYDACTYLY; GLI3-Related Pallister-Hall Syndrome. Identifiers: Orphanet 672, MedGen C0265220, MONDO:0007804, OMIM 146510.

Allele frequency attached by ClinVar (database versions not stated): gnomAD exomes 0.00111 and 0.00302; ExAC 0.00388; 1000 Genomes Project 30x 0.01062; 1000 Genomes Project 0.01078; gnomAD 0.01191 and 0.01279; ESP Exome Variant Server 0.01215; TOPMed 0.01318.
gnomAD v4.1: 3,523 of 1,610,084 alleles (0.22%); highest among the groups gnomAD compares: African/African-American, 4.1%; 67 homozygotes.

Submissions (8):

Labcorp Genetics (formerly Invitae), Labcorp
Classification: Benign for Pallister-Hall syndrome; Greig cephalopolysyndactyly syndrome. Last evaluated: 2026-01-27. Review status: criteria provided, single submitter. Criteria: Invitae Variant Classification Sherloc (09022015). Collection method: clinical testing. Allele origin: germline.

Mayo Clinic Laboratories, Mayo Clinic
Classification: Benign. Last evaluated: 2024-12-13. Review status: criteria provided, single submitter. Criteria: ACMG Guidelines, 2015. Collection method: clinical testing. Allele origin: germline. Observed: 1 variant allele.
Comment: BA1, BS2, BP4, BP7

Blueprint Genetics
Classification: Likely benign. Last evaluated: 2024-10-16. Review status: criteria provided, single submitter. Criteria: ACMG Guidelines, 2015. Collection method: clinical testing. Allele origin: germline.

Fulgent Genetics
Classification: Benign for Pallister-Hall syndrome; Polydactyly, postaxial, type A1; Polysyndactyly 4; Greig cephalopolysyndactyly syndrome. Last evaluated: 2021-07-27. Review status: criteria provided, single submitter. Criteria: ACMG Guidelines, 2015. Collection method: clinical testing. Allele origin: unknown.

GeneDx
Classification: Benign. Last evaluated: 2015-03-25. Review status: criteria provided, single submitter. Criteria: GeneDx Variant Classification (06012015). Collection method: clinical testing. Allele origin: germline. Affected: yes.
Comment: This variant is considered likely benign or benign based on one or more of the following criteria: it is a conservative change, it occurs at a poorly conserved position in the protein, it is predicted to be benign by multiple in silico algorithms, and/or has population frequency not consistent with disease.

PreventionGenetics, part of Exact Sciences
Classification: Benign. Review status: criteria provided, single submitter. Criteria: ACMG Guidelines, 2015. Collection method: clinical testing. Allele origin: germline.

Dr. Peter K. Rogan Lab, Western University
No classification provided (evidence only). Condition: Uterine corpus endometrial carcinoma. Review status: no classification provided. Collection method: in vitro. Allele origin: not applicable. Functional consequence: retained intron. Not counted in ClinVar's aggregate classification.

Dr. Peter K. Rogan Lab, Western University
No classification provided (evidence only). Condition: Cervical cancer. Review status: no classification provided. Collection method: in vitro. Allele origin: not applicable. Functional consequence: retained intron. Not counted in ClinVar's aggregate classification.